The following is an entry in ClinVar:

ClinVar aggregate classification (germline): Uncertain significance (1 of 4 stars; one submission).

Conditions:
Familial cancer of breast. Also called: BREAST CANCER, FAMILIAL; Hereditary breast cancer; hereditary breast carcinoma. Identifiers: Orphanet 227535, MedGen C0346153, MONDO:0016419, OMIM 114480. Disease mechanism: loss of function.

Submission:

Labcorp Genetics (formerly Invitae), Labcorp
Classification: Uncertain significance for Familial cancer of breast. Last evaluated: 2025-06-09. Review status: criteria provided, single submitter. Criteria: Invitae Variant Classification Sherloc (09022015). Collection method: clinical testing. Allele origin: germline.
Comment: This sequence change replaces proline, which is neutral and non-polar, with alanine, which is neutral and non-polar, at codon 493 of the PALB2 protein (p.Pro493Ala). This variant is not present in population databases (gnomAD no frequency). This variant has not been reported in the literature in individuals affected with PALB2-related conditions. ClinVar contains an entry for this variant (Variation ID: 964148). Invitae Evidence Modeling of protein sequence and biophysical properties (such as structural, functional, and spatial information, amino acid conservation, physicochemical variation, residue mobility, and thermodynamic stability) indicates that this missense variant is not expected to disrupt PALB2 protein function with a negative predictive value of 80%. In summary, the available evidence is currently insufficient to determine the role of this variant in disease. Therefore, it has been classified as a Variant of Uncertain Significance.

NM_024675.4(PALB2):c.1477C>G (p.Pro493Ala)

Gene: PALB2 (partner and localizer of BRCA2; minus strand). Cytogenetic location: 16p12.2.
Variant type: single nucleotide variant.
Coding change: c.1477C>G on transcript NM_024675.4 (MANE Select); coding-DNA position 1477, C replaced by G.
Protein change: p.Pro493Ala; replaces proline 493 with alanine.
Molecular consequence: missense variant.
Genome position (GRCh38, 1-based): chr16:23,635,069, G>C on the plus strand (C>G on the coding strand, the complement: PALB2 is on the minus strand). VCF-style: chr16-23635069-G-C. GRCh37 (hg19) VCF-style: chr16-23646390-G-C.
Other names: short protein forms P493A.
Identifiers: ClinVar variation 964148 (VCV000964148.10), dbSNP rs1966964053, ClinGen allele CA395131144.